The following is an entry in ClinVar:

NM_005559.4(LAMA1):c.2051+1G>A

Gene: LAMA1 (laminin subunit alpha 1; minus strand). Cytogenetic location: 18p11.31.
Variant type: single nucleotide variant.
Coding change: c.2051+1G>A on transcript NM_005559.4 (MANE Select); the canonical splice donor site of the intron after coding-DNA position 2051, G replaced by A.
Molecular consequence: splice donor variant.
Genome position (GRCh38, 1-based): chr18:7,034,478, C>T on the plus strand (G>A on the coding strand, the complement: LAMA1 is on the minus strand). VCF-style: chr18-7034478-C-T. GRCh37 (hg19) VCF-style: chr18-7034477-C-T.
Identifiers: ClinVar variation 2977060 (VCV002977060.3), dbSNP rs2510085780, ClinGen allele CA401829939.

ClinVar aggregate classification (germline): Likely pathogenic (1 of 4 stars; one submission).

Submission:

Labcorp Genetics (formerly Invitae), Labcorp
Classification: Likely pathogenic. Last evaluated: 2023-12-07. Review status: criteria provided, single submitter. Criteria: Invitae Variant Classification Sherloc (09022015). Collection method: clinical testing. Allele origin: germline.
Comment: This sequence change affects a donor splice site in intron 14 of the LAMA1 gene. It is expected to disrupt RNA splicing. Variants that disrupt the donor or acceptor splice site typically lead to a loss of protein function (PMID: 16199547), and loss-of-function variants in LAMA1 are known to be pathogenic (PMID: 25105227, 26932191). This variant is not present in population databases (gnomAD no frequency). This variant has not been reported in the literature in individuals affected with LAMA1-related conditions. Algorithms developed to predict the effect of sequence changes on RNA splicing suggest that this variant may disrupt the consensus splice site. In summary, the currently available evidence indicates that the variant is pathogenic, but additional data are needed to prove that conclusively. Therefore, this variant has been classified as Likely Pathogenic.

Literature cited by the submitters: PubMed 16199547; PubMed 25105227; PubMed 26932191.